The following is an entry in ClinVar:

ClinVar aggregate classification (germline): Uncertain significance (1 of 4 stars; one submission).

Conditions:
Arrhythmogenic right ventricular dysplasia 13. Also called: ARRHYTHMOGENIC RIGHT VENTRICULAR CARDIOMYOPATHY 13; Arrhythmogenic right ventricular dysplasia, familial, 13. Identifiers: MedGen C3810138, MONDO:0000908, OMIM 615616.

Allele frequency attached by ClinVar (database versions not stated): gnomAD exomes below 0.00001.
gnomAD v4.1: 1 of 1,613,594 alleles (0.000062%); highest among the groups gnomAD compares: Non-Finnish European, 0.000085%; no homozygotes.

Submission:

Labcorp Genetics (formerly Invitae), Labcorp
Classification: Uncertain significance for Arrhythmogenic right ventricular dysplasia 13. Last evaluated: 2025-01-22. Review status: criteria provided, single submitter. Criteria: Invitae Variant Classification Sherloc (09022015). Collection method: clinical testing. Allele origin: germline.
Comment: This sequence change replaces tyrosine, which is neutral and polar, with cysteine, which is neutral and slightly polar, at codon 775 of the CTNNA3 protein (p.Tyr775Cys). This variant is not present in population databases (gnomAD no frequency). This variant has not been reported in the literature in individuals affected with CTNNA3-related conditions. ClinVar contains an entry for this variant (Variation ID: 857032). Invitae Evidence Modeling of protein sequence and biophysical properties (such as structural, functional, and spatial information, amino acid conservation, physicochemical variation, residue mobility, and thermodynamic stability) indicates that this missense variant is expected to disrupt CTNNA3 protein function with a positive predictive value of 80%. In summary, the available evidence is currently insufficient to determine the role of this variant in disease. Therefore, it has been classified as a Variant of Uncertain Significance.

NM_013266.4(CTNNA3):c.2324A>G (p.Tyr775Cys)

Gene: CTNNA3 (catenin alpha 3; minus strand). Cytogenetic location: 10q21.3.
Variant type: single nucleotide variant.
Coding change: c.2324A>G on transcript NM_013266.4 (MANE Select); coding-DNA position 2324, A replaced by G.
Protein change: p.Tyr775Cys; replaces tyrosine 775 with cysteine.
Molecular consequence: missense variant.
Genome position (GRCh38, 1-based): chr10:65,966,688, T>C on the plus strand (A>G on the coding strand, the complement: CTNNA3 is on the minus strand). VCF-style: chr10-65966688-T-C. GRCh37 (hg19) VCF-style: chr10-67726446-T-C.
Other names: c.2324A>G, p.Tyr775Cys (NM_001127384.3); short protein forms Y775C.
Identifiers: ClinVar variation 857032 (VCV000857032.9), dbSNP rs2077974257, ClinGen allele CA377090044.